The following is an entry in ClinVar:

ClinVar aggregate classification (germline): Conflicting classifications of pathogenicity. Review status: criteria provided, conflicting classifications (1 of 4 stars). 2 submissions from 2 submitters: Uncertain significance (1); Likely benign (1). Last evaluated 2025-09-17.

Conditions:
Hereditary cancer-predisposing syndrome. Also called: Neoplastic Syndromes, Hereditary; Hereditary neoplastic syndrome; Hereditary Cancer Syndrome; Tumor predisposition. Identifiers: Orphanet 140162, MedGen C0027672, MeSH D009386, MONDO:0015356.
Neuroblastoma, susceptibility to, 3. Also called: ALK-Related Neuroblastic Tumor Susceptibility. Identifiers: Orphanet 635, MedGen C2751681, MONDO:0013083, OMIM 613014.

Submissions (2):

Ambry Genetics
Classification: Likely benign for Hereditary cancer-predisposing syndrome. Last evaluated: 2025-09-17. Review status: criteria provided, single submitter. Criteria: Ambry Variant Classification Scheme 2023. Collection method: clinical testing. Allele origin: germline.

Labcorp Genetics (formerly Invitae), Labcorp
Classification: Uncertain significance for Neuroblastoma, susceptibility to, 3. Last evaluated: 2025-08-03. Review status: criteria provided, single submitter. Criteria: Invitae Variant Classification Sherloc (09022015). Collection method: clinical testing. Allele origin: germline.
Comment: This sequence change creates a premature translational stop signal (p.Ala309Glyfs*5) in the ALK gene. It is expected to result in an absent or disrupted protein product. However, the current clinical and genetic evidence is not sufficient to establish whether loss-of-function variants in ALK cause disease. This variant is not present in population databases (gnomAD no frequency). This variant has not been reported in the literature in individuals affected with ALK-related conditions. ClinVar contains an entry for this variant (Variation ID: 658779). In summary, the available evidence is currently insufficient to determine the role of this variant in disease. Therefore, it has been classified as a Variant of Uncertain Significance.

NM_004304.5(ALK):c.925dup (p.Ala309fs)

Gene: ALK (ALK receptor tyrosine kinase; minus strand). Cytogenetic location: 2p23.2.
Variant type: Duplication.
Coding change: c.925dup on transcript NM_004304.5 (MANE Select); coding-DNA position 925, one base duplicated (G; older notation c.925dupG).
Protein change: p.Ala309fs; shifts the reading frame from alanine 309.
Molecular consequence: frameshift variant.
Genome position (GRCh38, 1-based): chr2:29,694,877, C duplicated on the plus strand (G on the coding strand, the reverse complement: ALK is on the minus strand); the first of 4 consecutive C bases (chr2:29,694,877-29,694,880); duplicating any one gives the same sequence. VCF-style (leftmost placement, unchanged base first): chr2-29694876-G-GC. GRCh37 (hg19) VCF-style: chr2-29917742-G-GC.
Other names: short protein forms A309fs.
Identifiers: ClinVar variation 658779 (VCV000658779.7), dbSNP rs1573561737, ClinGen allele CA915943750.